The following is an entry in ClinVar:

NM_001384474.1(LOXHD1):c.4130G>A (p.Arg1377Gln)

Gene: LOXHD1 (lipoxygenase homology PLAT domains 1; minus strand). Cytogenetic location: 18q21.1.
Variant type: single nucleotide variant.
Coding change: c.4130G>A on transcript NM_001384474.1 (MANE Select); coding-DNA position 4130, G replaced by A.
Protein change: p.Arg1377Gln; replaces arginine 1377 with glutamine.
Molecular consequence: missense variant.
Genome position (GRCh38, 1-based): chr18:46,534,417, C>T on the plus strand (G>A on the coding strand, the complement: LOXHD1 is on the minus strand). VCF-style: chr18-46534417-C-T. GRCh37 (hg19) VCF-style: chr18-44114380-C-T.
Other names: c.797G>A, p.Arg266Gln (NM_001145472.3); c.509G>A, p.Arg170Gln (NM_001308013.2); c.4130G>A, p.Arg1377Gln (NM_144612.7); short protein forms R1377Q, R266Q, R170Q.
Identifiers: ClinVar variation 930079 (VCV000930079.11), dbSNP rs150095081, ClinGen allele CA8952383.
Genomic context (GRCh38, chr18:46,534,417, plus strand): 5'-CGGATGTCCACGTGAGAGCAGTGCCACCCAGGATTCATGCCCGTGTTATTATGGCCAATC[C>T]GAATTTTTTCAATGATTTCTCCCACATCTTCTAACTTTGGAAAGGAGATAAGGCACTGAA-3'
Protein context (NP_001371403.1, residues 1367-1387): EDVGEIIEKI[Arg1377Gln]IGHNNTGMNP

ClinVar aggregate classification (germline): Uncertain significance. Review status: criteria provided, multiple submitters, no conflicts (2 of 4 stars). 6 submissions from 6 submitters: Uncertain significance (4). 2 of the submissions do not count toward it. Last evaluated 2024-08-28.

Conditions:
Autosomal recessive nonsyndromic hearing loss 77. Identifiers: Orphanet 90636, MedGen C2746083, MONDO:0013119, OMIM 613079.
LOXHD1-related disorder. Also called: LOXHD1-related condition.

Allele frequency attached by ClinVar (database versions not stated): gnomAD exomes 0.00008 and 0.00017; 1000 Genomes Project 30x 0.00031; 1000 Genomes Project 0.00040; ExAC 0.00040; gnomAD 0.00057 and 0.00062; ESP Exome Variant Server 0.00066; TOPMed 0.00067.
gnomAD v4.1: 199 of 1,551,626 alleles (0.013%); highest among the groups gnomAD compares: African/African-American, 0.19%; no homozygotes.

Submissions (6):

Blueprint Genetics
Classification: Uncertain significance. Last evaluated: 2024-08-28. Review status: criteria provided, single submitter. Criteria: ACMG Guidelines, 2015. Collection method: clinical testing. Allele origin: germline.

GeneDx
Classification: Uncertain significance. Last evaluated: 2022-11-01. Review status: criteria provided, single submitter. Criteria: GeneDx Variant Classification Process June 2021. Collection method: clinical testing. Allele origin: germline. Affected: yes.
Comment: In silico analysis, which includes protein predictors and evolutionary conservation, supports a deleterious effect; Has not been previously published as pathogenic or benign to our knowledge

Labcorp Genetics (formerly Invitae), Labcorp
Classification: Uncertain significance. Last evaluated: 2022-10-05. Review status: criteria provided, single submitter. Criteria: Invitae Variant Classification Sherloc (09022015). Collection method: clinical testing. Allele origin: germline.
Comment: This sequence change replaces arginine, which is basic and polar, with glutamine, which is neutral and polar, at codon 1377 of the LOXHD1 protein (p.Arg1377Gln). This variant is present in population databases (rs150095081, gnomAD 0.2%). This variant has not been reported in the literature in individuals affected with LOXHD1-related conditions. ClinVar contains an entry for this variant (Variation ID: 930079). Algorithms developed to predict the effect of missense changes on protein structure and function (SIFT, PolyPhen-2, Align-GVGD) all suggest that this variant is likely to be disruptive. Algorithms developed to predict the effect of sequence changes on RNA splicing suggest that this variant may disrupt the consensus splice site. In summary, the available evidence is currently insufficient to determine the role of this variant in disease. Therefore, it has been classified as a Variant of Uncertain Significance.

Laboratory for Molecular Medicine, Mass General Brigham Personalized Medicine
Classification: Uncertain significance. Last evaluated: 2019-05-22. Review status: criteria provided, single submitter. Criteria: LMM Criteria. Collection method: clinical testing. Allele origin: germline. Observed: 1 variant allele.
Comment: The p.Arg1377Gln variant in LOXHD1 has not been previously reported in individuals with hearing loss, but has been identified in 0.19% (34/17542) African chromosomes by gnomAD. Computational prediction tools and conservation analysis do not provide strong support for or against an impact to the protein. In summary, the clinical significance of this variant is uncertain. ACMG/AMP Criteria applied: BS1_Supporting.

PreventionGenetics, part of Exact Sciences
Classification: Likely benign for LOXHD1-related condition. Last evaluated: 2024-09-16. Review status: no assertion criteria provided. Collection method: clinical testing. Allele origin: germline. Not counted in ClinVar's aggregate classification.
Comment: This variant is classified as likely benign based on ACMG/AMP sequence variant interpretation guidelines (Richards et al. 2015 PMID: 25741868, with internal and published modifications).

Natera, Inc.
Classification: Uncertain significance for Autosomal recessive deafness type 77. Last evaluated: 2020-01-14. Review status: no assertion criteria provided. Collection method: clinical testing. Allele origin: germline. Not counted in ClinVar's aggregate classification.